The following is an entry in ClinVar:

ClinVar aggregate classification (germline): Uncertain significance (1 of 4 stars; one submission).

Conditions:
Emery-Dreifuss muscular dystrophy (EDMD). Also called: Scapuloperoneal syndrome, X-linked (formerly); Humeroperoneal neuromuscular disease, (formerly). Identifiers: Orphanet 261, MedGen C0410189, MONDO:0016830.

Submission:

Labcorp Genetics (formerly Invitae), Labcorp
Classification: Uncertain significance for Emery-Dreifuss muscular dystrophy. Last evaluated: 2025-06-15. Review status: criteria provided, single submitter. Criteria: Invitae Variant Classification Sherloc (09022015). Collection method: clinical testing. Allele origin: germline.
Comment: This sequence change creates a premature translational stop signal (p.Ile226Aspfs*99) in the SUN1 gene. It is expected to result in an absent or disrupted protein product. However, the current clinical and genetic evidence is not sufficient to establish whether loss-of-function variants in SUN1 cause disease. This variant is present in population databases (rs774843286, gnomAD 0.008%). This variant has not been reported in the literature in individuals affected with SUN1-related conditions. ClinVar contains an entry for this variant (Variation ID: 647765). Algorithms developed to predict the effect of sequence changes on RNA splicing suggest that this variant may disrupt the consensus splice site. In summary, the available evidence is currently insufficient to determine the role of this variant in disease. Therefore, it has been classified as a Variant of Uncertain Significance.

NM_001130965.3(SUN1):c.676_686del (p.Ile226fs)

Gene: SUN1 (Sad1 and UNC84 domain containing 1; plus strand). Cytogenetic location: 7p22.3.
Variant type: Deletion.
Coding change: c.676_686del on transcript NM_001130965.3 (MANE Select); coding-DNA positions 676 to 686, 11 bases deleted (ATTCTGCGCAG).
Protein change: p.Ile226fs; shifts the reading frame from isoleucine 226.
Molecular consequence: frameshift variant. On other transcripts: non-coding transcript variant (3), intron variant (12).
Genome position (GRCh38, 1-based): chr7:851,401-851,411, ATTCTGCGCAG deleted; deleting any 11 consecutive bases within chr7:851,397-851,411 gives the same sequence; the c. name uses the placement nearest the transcript's 3' end. VCF-style (leftmost placement, unchanged base first): chr7-851396-TGCAGATTCTGC-T. GRCh37 (hg19) VCF-style: chr7-891033-TGCAGATTCTGC-T.
Other names: c.676_686del, p.Ile226fs (NM_001367633.1, NM_001367634.1, NM_001367653.1 and 3 more transcripts); c.330_340del, p.Phe111fs (NM_001367635.1); c.919_929del, p.Ile307fs (NM_001367636.1, NM_001367655.1, NM_001367666.1 and 1 more transcripts); c.787_797del, p.Ile263fs (NM_001367638.1, NM_001367664.1, NM_001367685.1 and 1 more transcripts); c.220_230del, p.Ile74fs (NM_001367639.1); c.958_968del, p.Ile320fs (NM_001367641.1, NM_001367682.1, NM_001367698.1); c.871_881del, p.Ile291fs (NM_001367643.1, NM_001367693.1, NM_001367697.1); c.610_620del, p.Ile204fs (NM_001367644.1, NM_001367680.1, NM_001367701.1); and 24 more; short protein forms I241fs, I254fs, I263fs, I291fs, I74fs, I176fs, I200fs, I213fs.
Identifiers: ClinVar variation 647765 (VCV000647765.6), dbSNP rs774843286, ClinGen allele CA4111875.